The following is an entry in ClinVar:

NM_003265.3(TLR3):c.888G>A (p.Trp296Ter)

Gene: TLR3 (toll like receptor 3; plus strand). Cytogenetic location: 4q35.1.
Variant type: single nucleotide variant.
Coding change: c.888G>A on transcript NM_003265.3 (MANE Select); coding-DNA position 888, G replaced by A.
Protein change: p.Trp296Ter; replaces tryptophan 296 with a stop codon.
Molecular consequence: nonsense.
Genome position (GRCh38, 1-based): chr4:186,082,574, G>A. VCF-style: chr4-186082574-G-A. GRCh37 (hg19) VCF-style: chr4-187003728-G-A.
Other names: short protein forms W296*.
Identifiers: ClinVar variation 4778146 (VCV004778146.1).

ClinVar aggregate classification (germline): Uncertain significance (1 of 4 stars; one submission).

Conditions:
Encephalopathy, acute, infection-induced (herpes-specific), susceptibility to, 1. Also called: Herpes simplex encephalitis, susceptibility to, 1. Identifiers: Orphanet 1930, MedGen C2750180, MONDO:0024563, OMIM 610551.

Submission:

Labcorp Genetics (formerly Invitae), Labcorp
Classification: Uncertain significance for Encephalopathy, acute, infection-induced (herpes-specific), susceptibility to, 1. Last evaluated: 2025-11-01. Review status: criteria provided, single submitter. Criteria: Invitae Variant Classification Sherloc (09022015). Collection method: clinical testing. Allele origin: germline.
Comment: This sequence change creates a premature translational stop signal (p.Trp296*) in the TLR3 gene. It is expected to result in an absent or disrupted protein product. However, the current clinical and genetic evidence is not sufficient to establish whether loss-of-function variants in TLR3 cause disease. This variant is not present in population databases (gnomAD no frequency). This variant has not been reported in the literature in individuals affected with TLR3-related conditions. In summary, the available evidence is currently insufficient to determine the role of this variant in disease. Therefore, it has been classified as a Variant of Uncertain Significance.